The following is an entry in ClinVar:

NM_001232.4(CASQ2):c.234+5G>A

Gene: CASQ2 (calsequestrin 2; minus strand). Cytogenetic location: 1p13.1.
Variant type: single nucleotide variant.
Coding change: c.234+5G>A on transcript NM_001232.4 (MANE Select); 5 bases into the intron after coding-DNA position 234, G replaced by A.
Molecular consequence: intron variant.
Genome position (GRCh38, 1-based): chr1:115,768,303, C>T on the plus strand (G>A on the coding strand, the complement: CASQ2 is on the minus strand). VCF-style: chr1-115768303-C-T. GRCh37 (hg19) VCF-style: chr1-116310924-C-T.
Identifiers: ClinVar variation 4868165 (VCV004868165.1).
Genomic context (GRCh38, chr1:115,768,303, plus strand): 5'-GGCCAAAGGCATTCCCTCGGCACCTCACTGAGGCAGCGCAGACAGCATGCCCTTTGGTTA[C>T]TTACCTCAAGCACGATTTCTTTCAGTTGGAACTGTTTTTGCGTGACCTTATCTGAAGACA-3'

ClinVar aggregate classification (germline): Uncertain significance (1 of 4 stars; one submission).

Conditions:
Cardiovascular phenotype. Identifiers: MedGen CN230736.

Submission:

Ambry Genetics
Classification: Uncertain significance for Cardiovascular phenotype. Last evaluated: 2026-03-25. Review status: criteria provided, single submitter. Criteria: Ambry Variant Classification Scheme 2023. Collection method: clinical testing. Allele origin: germline.
Comment: The c.234+5G>A intronic variant results from a G to A substitution 5 nucleotides after coding exon 1 in the CASQ2 gene. This nucleotide position is highly conserved in available vertebrate species. In silico splice site analysis predicts that this alteration will not have any significant effect on splicing. Based on the available evidence, the clinical significance of this variant remains unclear.